The following is an entry in ClinVar:

ClinVar aggregate classification (germline): Likely benign. Review status: criteria provided, multiple submitters, no conflicts (2 of 4 stars). 2 submissions from 2 submitters: Likely benign (2). Last evaluated 2025-09-05.

Conditions:
Retinoblastoma (RB1). Also called: RETINOBLASTOMA, SOMATIC. Identifiers: Orphanet 790, MedGen C0035335, MeSH D012175, MONDO:0008380, OMIM 180200, HP:0009919. Disease mechanism: loss of function. Inheritance: Both sporadic and heritable forms are tested..

Allele frequency attached by ClinVar (database versions not stated): gnomAD 0.00001; TOPMed 0.00002.
gnomAD v4.1: 7 of 1,389,496 alleles (0.0005%); highest among the groups gnomAD compares: South Asian, 0.0012%; no homozygotes.

Submissions (2):

Labcorp Genetics (formerly Invitae), Labcorp
Classification: Likely benign for Retinoblastoma. Last evaluated: 2025-09-05. Review status: criteria provided, single submitter. Criteria: Invitae Variant Classification Sherloc (09022015). Collection method: clinical testing. Allele origin: germline.

All of Us Research Program, National Institutes of Health
Classification: Likely benign for Retinoblastoma. Last evaluated: 2024-05-30. Review status: criteria provided, single submitter. Criteria: ACMG Guidelines, 2015. Collection method: clinical testing. Allele origin: germline. Inheritance: Autosomal dominant inheritance. Observed: 5 variant alleles, 5 heterozygotes.
Comment: This study involves interpretation of variants in research participants for the purpose of population health screening. Participant phenotype was not available at the time of variant classification. Additional details can be found in publication PMID: 35346344, PMCID: PMC8962531

NM_000321.3(RB1):c.2107-15C>A

Gene: RB1 (RB transcriptional corepressor 1; plus strand). Cytogenetic location: 13q14.2.
Variant type: single nucleotide variant.
Coding change: c.2107-15C>A on transcript NM_000321.3 (MANE Select); 15 bases into the intron before coding-DNA position 2107, C replaced by A.
Molecular consequence: intron variant.
Genome position (GRCh38, 1-based): chr13:48,463,716, C>A. VCF-style: chr13-48463716-C-A. GRCh37 (hg19) VCF-style: chr13-49037852-C-A.
Identifiers: ClinVar variation 1652753 (VCV001652753.10), dbSNP rs762781001, ClinGen allele CA609585243.